The following is an entry in ClinVar:

NM_001347721.2(DYRK1A):c.707T>C (p.Leu236Pro)

Gene: DYRK1A (dual specificity tyrosine phosphorylation regulated kinase 1A; plus strand). Cytogenetic location: 21q22.13.
Variant type: single nucleotide variant.
Coding change: c.707T>C on transcript NM_001347721.2 (MANE Select); coding-DNA position 707, T replaced by C.
Protein change: p.Leu236Pro; replaces leucine 236 with proline.
Molecular consequence: missense variant.
Genome position (GRCh38, 1-based): chr21:37,490,244, T>C. VCF-style: chr21-37490244-T-C. GRCh37 (hg19) VCF-style: chr21-38862546-T-C.
Other names: c.707T>C, p.Leu236Pro (NM_001347722.2, NM_130436.2); c.620T>C, p.Leu207Pro (NM_001347723.2); c.734T>C, p.Leu245Pro (NM_001396.5, NM_101395.2, NM_130438.2); short protein forms L207P, L245P, L236P.
Identifiers: ClinVar variation 2720073 (VCV002720073.3), dbSNP rs797044525, ClinGen allele CA409947400.

ClinVar aggregate classification (germline): Uncertain significance (1 of 4 stars; one submission).

Conditions:
DYRK1A-related intellectual disability syndrome (MRD7). Also called: Intellectual developmental disorder, autosomal dominant 7; DYRK1A Syndrome. Identifiers: Orphanet 464306, MedGen C5568143, MONDO:0013578, OMIM 614104.

Submission:

Labcorp Genetics (formerly Invitae), Labcorp
Classification: Uncertain significance for DYRK1A-related intellectual disability syndrome. Last evaluated: 2023-07-12. Review status: criteria provided, single submitter. Criteria: Invitae Variant Classification Sherloc (09022015). Collection method: clinical testing. Allele origin: germline.
Comment: This variant is not present in population databases (gnomAD no frequency). This missense change has been observed in individual(s) with clinical features of DYRK1A-related conditions (Invitae). Advanced modeling of protein sequence and biophysical properties (such as structural, functional, and spatial information, amino acid conservation, physicochemical variation, residue mobility, and thermodynamic stability) performed at Invitae indicates that this missense variant is expected to disrupt DYRK1A protein function. This variant disrupts the p.Leu245 amino acid residue in DYRK1A. Other variant(s) that disrupt this residue have been determined to be pathogenic (PMID: 25944381, 29700199, 30831192). This suggests that this residue is clinically significant, and that variants that disrupt this residue are likely to be disease-causing. In summary, the available evidence is currently insufficient to determine the role of this variant in disease. Therefore, it has been classified as a Variant of Uncertain Significance. This sequence change replaces leucine, which is neutral and non-polar, with proline, which is neutral and non-polar, at codon 245 of the DYRK1A protein (p.Leu245Pro).

Literature cited by the submitters: PubMed 25944381; PubMed 29700199; PubMed 30831192.